The following is an entry in ClinVar:

ClinVar aggregate classification (germline): Uncertain significance. Review status: criteria provided, multiple submitters, no conflicts (2 of 4 stars). 3 submissions from 3 submitters: Uncertain significance (2). 1 of the submissions does not count toward it. Last evaluated 2022-08-31.

Conditions:
Usher syndrome type 1 (USH1). Also called: RETINITIS PIGMENTOSA AND CONGENITAL DEAFNESS. Identifiers: Orphanet 231169, Orphanet 886, MedGen C1568247, MONDO:0010168, OMIM 276900.

Allele frequency attached by ClinVar (database versions not stated): ExAC below 0.00001; gnomAD 0.00002; TOPMed 0.00002; gnomAD exomes 0.00004.
gnomAD v4.1: 33 of 1,596,034 alleles (0.0021%); highest among the groups gnomAD compares: East Asian, 0.0091%; no homozygotes.

Submissions (3):

Labcorp Genetics (formerly Invitae), Labcorp
Classification: Uncertain significance. Last evaluated: 2022-08-31. Review status: criteria provided, single submitter. Criteria: Invitae Variant Classification Sherloc (09022015). Collection method: clinical testing. Allele origin: germline.
Comment: This sequence change replaces threonine, which is neutral and polar, with methionine, which is neutral and non-polar, at codon 253 of the CDH23 protein (p.Thr253Met). This variant is present in population databases (rs765002368, gnomAD 0.009%). This variant has not been reported in the literature in individuals affected with CDH23-related conditions. ClinVar contains an entry for this variant (Variation ID: 963789). Algorithms developed to predict the effect of missense changes on protein structure and function are either unavailable or do not agree on the potential impact of this missense change (SIFT: "Deleterious"; PolyPhen-2: "Not Available"; Align-GVGD: "Class C0"). In summary, the available evidence is currently insufficient to determine the role of this variant in disease. Therefore, it has been classified as a Variant of Uncertain Significance.

Blueprint Genetics
Classification: Uncertain significance. Last evaluated: 2022-03-31. Review status: criteria provided, single submitter. Criteria: ACMG Guidelines, 2015. Collection method: clinical testing. Allele origin: germline.

Natera, Inc.
Classification: Uncertain significance for Usher syndrome type 1. Last evaluated: 2021-06-29. Review status: no assertion criteria provided. Collection method: clinical testing. Allele origin: germline. Not counted in ClinVar's aggregate classification.

NM_022124.6(CDH23):c.758C>T (p.Thr253Met)

Gene: CDH23 (cadherin related 23; plus strand). Cytogenetic location: 10q22.1.
Variant type: single nucleotide variant.
Coding change: c.758C>T on transcript NM_022124.6 (MANE Select); coding-DNA position 758, C replaced by T.
Protein change: p.Thr253Met; replaces threonine 253 with methionine.
Molecular consequence: missense variant.
Genome position (GRCh38, 1-based): chr10:71,577,918, C>T. VCF-style: chr10-71577918-C-T. GRCh37 (hg19) VCF-style: chr10-73337675-C-T.
Other names: c.758C>T, p.Thr253Met (NM_001171930.2, NM_001171931.2, NM_001171932.2 and 1 more transcripts); short protein forms T253M.
Identifiers: ClinVar variation 963789 (VCV000963789.5), dbSNP rs765002368, ClinGen allele CA5543543.